The following is an entry in ClinVar:

NM_000102.4(CYP17A1):c.1226C>T (p.Pro409Leu)

Gene: CYP17A1 (cytochrome P450 family 17 subfamily A member 1; minus strand). Cytogenetic location: 10q24.32.
Variant type: single nucleotide variant.
Coding change: c.1226C>T on transcript NM_000102.4 (MANE Select); coding-DNA position 1226, C replaced by T.
Protein change: p.Pro409Leu; replaces proline 409 with leucine.
Molecular consequence: missense variant.
Genome position (GRCh38, 1-based): chr10:102,831,525, G>A on the plus strand (C>T on the coding strand, the complement: CYP17A1 is on the minus strand). VCF-style: chr10-102831525-G-A. GRCh37 (hg19) VCF-style: chr10-104591282-G-A.
Other names: c.1226C>T (NM_000102.3); short protein forms P409L.
Identifiers: ClinVar variation 1066592 (VCV001066592.12), dbSNP rs367833709, ClinGen allele CA5669370.

ClinVar aggregate classification (germline): Pathogenic/Likely pathogenic. Review status: criteria provided, multiple submitters, no conflicts (2 of 4 stars). 4 submissions from 4 submitters: Pathogenic (1); Likely pathogenic (3). Last evaluated 2025-11-11.

Conditions:
Deficiency of steroid 17-alpha-monooxygenase. Also called: 17-ALPHA-HYDROXYLASE DEFICIENCY; ADRENAL HYPERPLASIA V; Congenital adrenal hyperplasia due to 17-alpha-hydroxylase deficiency; Congenital adrenal hyperplasia type 5; 17-alpha-hydroxylase/17,20-lyase deficiency. Identifiers: Orphanet 90793, MedGen C0268285, MONDO:0008730, OMIM 202110.
Congenital adrenal hyperplasia. Identifiers: Orphanet 418, MedGen C0001627, MONDO:0018479, HP:0008258.

gnomAD v4.1: 3 of 1,613,940 alleles (0.00019%); highest among the groups gnomAD compares: African/African-American, 0.0013%; no homozygotes.

Submissions (4):

Natera, Inc.
Classification: Likely pathogenic for Deficiency of steroid 17-alpha-monooxygenase. Last evaluated: 2025-11-11. Review status: criteria provided, single submitter. Criteria: Natera Variant Classification Schema (03/2026). Collection method: clinical testing. Allele origin: germline.
Comment: The c.1226C>T variant in CYP17A1 is a missense variant predicted to cause substitution of proline to leucine at amino acid 409. This variant is rare in the general population with a frequency below the threshold expected for the associated phenotype(s). This variant has been observed in one or more individuals affected with the associated recessive disease, as either homozygous or compound heterozygous with a second variant (PMID: 29595516). A different variant at the same position has been determined to be Pathogenic or Likely Pathogenic. Computational prediction algorithms indicate this variant is likely to affect gene or protein function. Given the available evidence, this variant is classified as Likely Pathogenic.

Women's Health and Genetics/Laboratory Corporation of America, LabCorp
Classification: Pathogenic for Congenital adrenal hyperplasia. Last evaluated: 2024-09-09. Review status: criteria provided, single submitter. Criteria: LabCorp Variant Classification Summary - May 2015. Collection method: clinical testing. Allele origin: germline.
Comment: Variant summary: CYP17A1 c.1226C>T (p.Pro409Leu) results in a non-conservative amino acid change in the encoded protein sequence. Five of five in-silico tools predict a damaging effect of the variant on protein function. The variant allele was found at a frequency of 4e-06 in 251258 control chromosomes. c.1226C>T has been reported in the literature in compound heterozygous and homozygous individuals affected with Congenital Adrenal Hyperplasia (e.g. Kardelen_2018, Sun_2021, Zhao_2022, Siklar_2024). These data indicate that the variant is likely to be associated with disease. At least one publication reports experimental evidence evaluating an impact on protein function and found variant results in the abolishment of 17-alpha-hydroxylase activity and <2% of normal 17,20-lyase activity (Sun_2021). The following publications have been ascertained in the context of this evaluation (PMID: 29595516, 39020240, 34524979, 35032013). ClinVar contains an entry for this variant (Variation ID: 1066592). Based on the evidence outlined above, the variant was classified as pathogenic.

Baylor Genetics
Classification: Likely pathogenic for Deficiency of steroid 17-alpha-monooxygenase. Last evaluated: 2023-02-18. Review status: criteria provided, single submitter. Criteria: ACMG Guidelines, 2015. Collection method: clinical testing. Allele origin: unknown.

Labcorp Genetics (formerly Invitae), Labcorp
Classification: Likely pathogenic. Last evaluated: 2021-04-17. Review status: criteria provided, single submitter. Criteria: Invitae Variant Classification Sherloc (09022015). Collection method: clinical testing. Allele origin: germline.
Comment: This variant has been observed in individual(s) with congenital adrenal hyperplasia (PMID: 29595516). This variant is present in population databases (rs367833709, ExAC 0.01%). This sequence change replaces proline with leucine at codon 409 of the CYP17A1 protein (p.Pro409Leu). The proline residue is highly conserved and there is a moderate physicochemical difference between proline and leucine. Advanced modeling of protein sequence and biophysical properties (such as structural, functional, and spatial information, amino acid conservation, physicochemical variation, residue mobility, and thermodynamic stability) performed at Invitae indicates that this missense variant is expected to disrupt CYP17A1 protein function. In summary, the currently available evidence indicates that the variant is pathogenic, but additional data are needed to prove that conclusively. Therefore, this variant has been classified as Likely Pathogenic. This variant disrupts the p.Pro409 amino acid residue in CYP17A1. Other variant(s) that disrupt this residue have been determined to be pathogenic (PMID: 20170344, 23291414, 11243732, 22087567, 22954317). This suggests that this residue is clinically significant, and that variants that disrupt this residue are likely to be disease-causing.

Literature cited by the submitters: PubMed 29595516 (cited by 3 submitters); PubMed 34524979 (cited by Women's Health and Genetics/Laboratory Corporation of America, LabCorp); PubMed 39020240 (cited by Women's Health and Genetics/Laboratory Corporation of America, LabCorp); PubMed 35032013 (cited by Women's Health and Genetics/Laboratory Corporation of America, LabCorp); PubMed 20170344 (cited by Labcorp Genetics (formerly Invitae), Labcorp); PubMed 23291414 (cited by Labcorp Genetics (formerly Invitae), Labcorp); PubMed 11243732 (cited by Labcorp Genetics (formerly Invitae), Labcorp); PubMed 22087567 (cited by Labcorp Genetics (formerly Invitae), Labcorp); PubMed 22954317 (cited by Labcorp Genetics (formerly Invitae), Labcorp).